The following is an entry in ClinVar:

NM_024301.5(FKRP):c.1027G>T (p.Glu343Ter)

Gene: FKRP (fukutin related protein; plus strand). Cytogenetic location: 19q13.32.
Variant type: single nucleotide variant.
Coding change: c.1027G>T on transcript NM_024301.5 (MANE Select); coding-DNA position 1027, G replaced by T.
Protein change: p.Glu343Ter; replaces glutamic acid 343 with a stop codon.
Molecular consequence: nonsense.
Genome position (GRCh38, 1-based): chr19:46,756,477, G>T. VCF-style: chr19-46756477-G-T. GRCh37 (hg19) VCF-style: chr19-47259734-G-T.
Other names: c.1027G>T, p.Glu343Ter (NM_001039885.3); short protein forms E343*.
Identifiers: ClinVar variation 552780 (VCV000552780.9), dbSNP rs587780334, ClinGen allele CA406496501.

ClinVar aggregate classification (germline): Pathogenic/Likely pathogenic. Review status: criteria provided, multiple submitters, no conflicts (2 of 4 stars). 3 submissions from 3 submitters: Pathogenic (1); Likely pathogenic (1). 1 of the submissions does not count toward it. Last evaluated 2026-01-12.

Conditions:
Walker-Warburg congenital muscular dystrophy. Also called: Muscular dystrophy-dystroglycanopathy, type A; Walker-Warburg syndrome. Identifiers: Orphanet 899, MedGen C0265221, MONDO:0000171.
Autosomal recessive limb-girdle muscular dystrophy type 2I. Also called: MUSCULAR DYSTROPHY-DYSTROGLYCANOPATHY (LIMB-GIRDLE), TYPE C, 5; MUSCULAR DYSTROPHY-DYSTROGLYCANOPATHY, LIMB-GIRDLE, FRKP-RELATED; MUSCULAR DYSTROPHY, LIMB-GIRDLE, TYPE 2I. Identifiers: Orphanet 34515, MedGen C1846672, MONDO:0011787, OMIM 607155.

gnomAD v4.1: 1 of 1,517,658 alleles (0.000066%); highest among the groups gnomAD compares: South Asian, 0.0013%; no homozygotes.

Submissions (3):

Labcorp Genetics (formerly Invitae), Labcorp
Classification: Pathogenic for Walker-Warburg congenital muscular dystrophy. Last evaluated: 2026-01-12. Review status: criteria provided, single submitter. Criteria: Invitae Variant Classification Sherloc (09022015). Collection method: clinical testing. Allele origin: germline.
Comment: This sequence change creates a premature translational stop signal (p.Glu343*) in the FKRP gene. While this is not anticipated to result in nonsense mediated decay, it is expected to disrupt the last 153 amino acid(s) of the FKRP protein. The frequency data for this variant in the population databases is considered unreliable, as metrics indicate poor data quality at this position in the gnomAD database. This premature translational stop signal has been observed in individual(s) with limb-girdle muscular dystrophy (PMID: 30003095, 34509255). ClinVar contains an entry for this variant (Variation ID: 552780). This variant disrupts a region of the FKRP protein in which other variant(s) (p.Ile478Thr) have been determined to be pathogenic (PMID: 16476814, 18639457, 19299310). This suggests that this is a clinically significant region of the protein, and that variants that disrupt it are likely to be disease-causing. For these reasons, this variant has been classified as Pathogenic.

GeneDx
Classification: Likely pathogenic. Last evaluated: 2019-08-05. Review status: criteria provided, single submitter. Criteria: GeneDx Variant Classification Process June 2021. Collection method: clinical testing. Allele origin: germline. Affected: yes.
Comment: Nonsense variant in the C-terminus predicted to result in protein truncation, as the last 153 amino acids are lost, and other loss-of-function variants have been reported downstream in the Human Gene Mutation Database (Stenson et al., 2014); Not observed at a significant frequency in large population cohorts (Lek et al., 2016); This variant is associated with the following publications: (PMID: 30003095)

Counsyl
Classification: Likely pathogenic for Autosomal recessive limb-girdle muscular dystrophy type 2I. Last evaluated: 2017-07-06. Review status: no assertion criteria provided. Collection method: clinical testing. Allele origin: unknown. Not counted in ClinVar's aggregate classification.

Literature cited by the submitters: PubMed 30003095 (cited by Labcorp Genetics (formerly Invitae), Labcorp); PubMed 34509255 (cited by Labcorp Genetics (formerly Invitae), Labcorp); PubMed 16476814 (cited by Labcorp Genetics (formerly Invitae), Labcorp); PubMed 18639457 (cited by Labcorp Genetics (formerly Invitae), Labcorp); PubMed 19299310 (cited by Labcorp Genetics (formerly Invitae), Labcorp).